The following is an entry in ClinVar:

ClinVar aggregate classification (germline): Uncertain significance (1 of 4 stars; one submission).

Conditions:
IFT172-related disorder. Also called: IFT172-related disorders; IFT172-related condition.

Submission:

PreventionGenetics, part of Exact Sciences
Classification: Uncertain significance for IFT172-related condition. Last evaluated: 2025-11-11. Review status: criteria provided, single submitter. Criteria: ACMG Guidelines, 2015. Collection method: clinical testing. Allele origin: germline.
Comment: The IFT172 c.2669C>T variant is predicted to result in the amino acid substitution p.Ala890Val. To our knowledge, this variant has not been reported in the literature or in a large population database (gnomAD), indicating this variant is rare. At this time, the clinical significance of this variant is uncertain due to the absence of conclusive functional and genetic evidence.

NM_015662.3(IFT172):c.2669C>T (p.Ala890Val)

Genes: IFT172 (intraflagellar transport 172; minus strand), LOC126806174 (CDK7 strongly-dependent group 2 enhancer GRCh37_chr2:27681686-27682885; plus strand). Cytogenetic location: 2p23.3.
Variant type: single nucleotide variant.
Coding change: c.2669C>T on transcript NM_015662.3 (MANE Select); coding-DNA position 2669, C replaced by T.
Protein change: p.Ala890Val; replaces alanine 890 with valine.
Molecular consequence: missense variant.
Genome position (GRCh38, 1-based): chr2:27,459,496, G>A on the plus strand (C>T on the coding strand, the complement: IFT172 is on the minus strand). VCF-style: chr2-27459496-G-A. GRCh37 (hg19) VCF-style: chr2-27682363-G-A.
Other names: c.2603C>T, p.Ala868Val (NM_001410739.1); short protein forms A868V, A890V.
Identifiers: ClinVar variation 4988316 (VCV004988316.1).